The following is an entry in ClinVar:

NM_001171.6(ABCC6):c.3422G>A (p.Arg1141Gln)

Gene: ABCC6 (ATP binding cassette subfamily C member 6; minus strand). Cytogenetic location: 16p13.11.
Variant type: single nucleotide variant.
Coding change: c.3422G>A on transcript NM_001171.6 (MANE Select); coding-DNA position 3422, G replaced by A.
Protein change: p.Arg1141Gln; replaces arginine 1141 with glutamine.
Molecular consequence: missense variant.
Genome position (GRCh38, 1-based): chr16:16,163,077, C>T on the plus strand (G>A on the coding strand, the complement: ABCC6 is on the minus strand). VCF-style: chr16-16163077-C-T. GRCh37 (hg19) VCF-style: chr16-16256934-C-T.
Other names: c.3080G>A, p.Arg1027Gln (NM_001351800.1); short protein forms R1141Q, R1027Q.
Identifiers: ClinVar variation 726267 (VCV000726267.13), dbSNP rs572351621, ClinGen allele CA7925585.

ClinVar aggregate classification (germline): Likely benign. Review status: criteria provided, multiple submitters, no conflicts (2 of 4 stars). 4 submissions from 4 submitters: Likely benign (4). Last evaluated 2025-12-15.

Conditions:
ABCC6-related disorder. Also called: ABCC6-related condition.
Autosomal recessive inherited pseudoxanthoma elasticum (PXE). Identifiers: Orphanet 758, MedGen CN032334, MONDO:0009925, OMIM 264800.
Pseudoxanthoma elasticum, forme fruste. Also called: Pseudoxanthoma Elasticum, Incomplete; PSEUDOXANTHOMA ELASTICUM, HETEROZYGOUS. Identifiers: Orphanet 758, MedGen C1867450, MONDO:0008333, OMIM 177850.
Arterial calcification, generalized, of infancy, 2. Identifiers: Orphanet 51608, MedGen C3276161, MONDO:0013768, OMIM 614473.

Allele frequency attached by ClinVar (database versions not stated): gnomAD 0.00002 and 0.00016; TOPMed 0.00004; 1000 Genomes Project 30x 0.00016; 1000 Genomes Project 0.00020.
gnomAD v4.1: 429 of 1,613,914 alleles (0.027%); highest among the groups gnomAD compares: South Asian, 0.4%; 2 homozygotes.

Submissions (4):

Labcorp Genetics (formerly Invitae), Labcorp
Classification: Likely benign. Last evaluated: 2025-12-15. Review status: criteria provided, single submitter. Criteria: Invitae Variant Classification Sherloc (09022015). Collection method: clinical testing. Allele origin: germline.

PreventionGenetics, part of Exact Sciences
Classification: Likely benign for ABCC6-related condition. Last evaluated: 2025-04-11. Review status: criteria provided, single submitter. Criteria: ACMG Guidelines, 2015. Collection method: clinical testing. Allele origin: germline.
Comment: This variant is classified as likely benign based on ACMG/AMP sequence variant interpretation guidelines (Richards et al. 2015 PMID: 25741868, with internal and published modifications).

Blueprint Genetics
Classification: Likely benign. Last evaluated: 2024-11-15. Review status: criteria provided, single submitter. Criteria: ACMG Guidelines, 2015. Collection method: clinical testing. Allele origin: germline.

Fulgent Genetics
Classification: Likely benign for Pseudoxanthoma elasticum, forme fruste; Autosomal recessive inherited pseudoxanthoma elasticum; Arterial calcification, generalized, of infancy, 2. Last evaluated: 2021-08-23. Review status: criteria provided, single submitter. Criteria: ACMG Guidelines, 2015. Collection method: clinical testing. Allele origin: unknown.